The following is an entry in ClinVar:

NM_001330360.2(POLA1):c.2501A>G (p.Asn834Ser)

Gene: POLA1 (DNA polymerase alpha 1, catalytic subunit; plus strand). Cytogenetic location: Xp22.11.
Variant type: single nucleotide variant.
Coding change: c.2501A>G on transcript NM_001330360.2 (MANE Select); coding-DNA position 2501, A replaced by G.
Protein change: p.Asn834Ser; replaces asparagine 834 with serine.
Molecular consequence: missense variant. On other transcripts: non-coding transcript variant (2).
Genome position (GRCh38, 1-based): chrX:24,743,264, A>G. VCF-style: chrX-24743264-A-G. GRCh37 (hg19) VCF-style: chrX-24761381-A-G.
Other names: c.2426A>G, p.Asn809Ser (NM_001378303.1); c.2483A>G, p.Asn828Ser (NM_016937.4); short protein forms N809S, N834S, N828S.
Identifiers: ClinVar variation 3681658 (VCV003681658.2).
Genomic context (GRCh38, chrX:24,743,264, plus strand): 5'-GAAGTTATCTTTCCATTTGATATTAGGGAGATGAAGATGAAGAAATTGATGGAGATACCA[A>G]TAAATACAAGAAAGGACGTAAGAAAGCAGCTTATGCTGGAGGCTTGGTTTTGGACCCCAA-3'
Protein context (NP_001317289.1, residues 824-844): DEDEEIDGDT[Asn834Ser]KYKKGRKKAA

ClinVar aggregate classification (germline): Uncertain significance (1 of 4 stars; one submission).

Submission:

Labcorp Genetics (formerly Invitae), Labcorp
Classification: Uncertain significance. Last evaluated: 2024-07-12. Review status: criteria provided, single submitter. Criteria: Invitae Variant Classification Sherloc (09022015). Collection method: clinical testing. Allele origin: germline.
Comment: This sequence change replaces asparagine, which is neutral and polar, with serine, which is neutral and polar, at codon 828 of the POLA1 protein (p.Asn828Ser). The frequency data for this variant in the population databases is considered unreliable, as metrics indicate poor data quality at this position in the gnomAD database. This variant has not been reported in the literature in individuals affected with POLA1-related conditions. Advanced modeling of protein sequence and biophysical properties (such as structural, functional, and spatial information, amino acid conservation, physicochemical variation, residue mobility, and thermodynamic stability) performed at Invitae indicates that this missense variant is not expected to disrupt POLA1 protein function with a negative predictive value of 80%. In summary, the available evidence is currently insufficient to determine the role of this variant in disease. Therefore, it has been classified as a Variant of Uncertain Significance.